The following is an entry in ClinVar:

NM_052867.4(NALCN):c.700G>C (p.Glu234Gln)

Gene: NALCN (sodium leak channel, non-selective; minus strand). Cytogenetic location: 13q33.1.
Variant type: single nucleotide variant.
Coding change: c.700G>C on transcript NM_052867.4 (MANE Select); coding-DNA position 700, G replaced by C.
Protein change: p.Glu234Gln; replaces glutamic acid 234 with glutamine.
Molecular consequence: missense variant.
Genome position (GRCh38, 1-based): chr13:101,345,365, C>G on the plus strand (G>C on the coding strand, the complement: NALCN is on the minus strand). VCF-style: chr13-101345365-C-G. GRCh37 (hg19) VCF-style: chr13-101997716-C-G.
Other names: c.700G>C, p.Glu234Gln (NM_001350748.2, NM_001350749.2, NM_001350750.2 and 1 more transcripts); short protein forms E234Q.
Identifiers: ClinVar variation 2045389 (VCV002045389.5), dbSNP rs1255554276, ClinGen allele CA388707669.

ClinVar aggregate classification (germline): Uncertain significance. Review status: criteria provided, multiple submitters, no conflicts (2 of 4 stars). 2 submissions from 2 submitters: Uncertain significance (2). Last evaluated 2023-04-08.

Conditions:
Inborn genetic diseases. Identifiers: MedGen C0950123, MeSH D030342.

Allele frequency attached by ClinVar (database versions not stated): TOPMed 0.00001.
gnomAD v4.1: 26 of 1,613,742 alleles (0.0016%); highest among the groups gnomAD compares: Non-Finnish European, 0.0022%; no homozygotes.

Submissions (2):

Labcorp Genetics (formerly Invitae), Labcorp
Classification: Uncertain significance. Last evaluated: 2023-04-08. Review status: criteria provided, single submitter. Criteria: Invitae Variant Classification Sherloc (09022015). Collection method: clinical testing. Allele origin: germline.
Comment: In summary, the available evidence is currently insufficient to determine the role of this variant in disease. Therefore, it has been classified as a Variant of Uncertain Significance. Advanced modeling of protein sequence and biophysical properties (such as structural, functional, and spatial information, amino acid conservation, physicochemical variation, residue mobility, and thermodynamic stability) performed at Invitae indicates that this missense variant is not expected to disrupt NALCN protein function. ClinVar contains an entry for this variant (Variation ID: 2045389). This variant has not been reported in the literature in individuals affected with NALCN-related conditions. This variant is not present in population databases (gnomAD no frequency). This sequence change replaces glutamic acid, which is acidic and polar, with glutamine, which is neutral and polar, at codon 234 of the NALCN protein (p.Glu234Gln).

Ambry Genetics
Classification: Uncertain significance for Inborn genetic diseases. Last evaluated: 2022-11-22. Review status: criteria provided, single submitter. Criteria: Ambry Variant Classification Scheme 2023. Collection method: clinical testing. Allele origin: germline.